The following is an entry in ClinVar:

NM_001999.4(FBN2):c.4261A>G (p.Ile1421Val)

Gene: FBN2 (fibrillin 2; minus strand). Cytogenetic location: 5q23.3.
Variant type: single nucleotide variant.
Coding change: c.4261A>G on transcript NM_001999.4 (MANE Select); coding-DNA position 4261, A replaced by G.
Protein change: p.Ile1421Val; replaces isoleucine 1421 with valine.
Molecular consequence: missense variant.
Genome position (GRCh38, 1-based): chr5:128,330,657, T>C on the plus strand (A>G on the coding strand, the complement: FBN2 is on the minus strand). VCF-style: chr5-128330657-T-C. GRCh37 (hg19) VCF-style: chr5-127666349-T-C.
Other names: short protein forms I1421V.
Identifiers: ClinVar variation 4840110 (VCV004840110.1).

ClinVar aggregate classification (germline): Uncertain significance (1 of 4 stars; one submission).

Conditions:
Familial thoracic aortic aneurysm and aortic dissection (TAAD). Also called: Thoracic aortic aneurysms and dissections. Identifiers: Orphanet 91387, MedGen C4707243, MONDO:0019625.

gnomAD v4.1: 2 of 1,613,928 alleles (0.00012%); highest among the groups gnomAD compares: Non-Finnish European, 0.00017%; no homozygotes.

Submission:

Ambry Genetics
Classification: Uncertain significance for Familial thoracic aortic aneurysm and aortic dissection. Last evaluated: 2026-02-17. Review status: criteria provided, single submitter. Criteria: Ambry Variant Classification Scheme 2023. Collection method: clinical testing. Allele origin: germline.
Comment: The c.4261A>G (p.I1421V) alteration is located in exon 33 (coding exon 33) of the FBN2 gene. This alteration results from a A to G substitution at nucleotide position 4261, causing the isoleucine (I) at amino acid position 1421 to be replaced by a valine (V). Based on data from gnomAD, the G allele has an overall frequency of <0.001% (1/251316) total alleles studied. The highest observed frequency was 0.001% (1/113676) of European (non-Finnish) alleles. Based on insufficient or conflicting evidence, the clinical significance of this alteration remains unclear.